The following is an entry in ClinVar:

NM_004239.4(TRIP11):c.617_618del (p.Asn205_Ser206insTer)

Gene: TRIP11 (thyroid hormone receptor interactor 11; minus strand). Cytogenetic location: 14q32.12.
Variant type: Microsatellite.
Coding change: c.617_618del on transcript NM_004239.4 (MANE Select); coding-DNA positions 617 to 618, 2 bases deleted (CT; older notation c.617_618delCT).
Protein change: p.Asn205_Ser206insTer.
Molecular consequence: nonsense.
Genome position (GRCh38, 1-based): chr14:92,017,721-92,017,722, AG deleted on the plus strand (CT on the coding strand, the reverse complement: TRIP11 is on the minus strand); deleting any 2 consecutive bases within chr14:92,017,721-92,017,724 gives the same sequence; the c. name uses the placement nearest the transcript's 3' end. VCF-style (leftmost placement, unchanged base first): chr14-92017720-CAG-C. GRCh37 (hg19) VCF-style: chr14-92484064-CAG-C.
Other names: c.614_615del, p.Asn204_Ser205insTer (NM_001321851.1); c.617_618delCT (NM_004239.4).
Identifiers: ClinVar variation 581029 (VCV000581029.6), dbSNP rs1566867763, ClinGen allele CA891843634.
Genomic context (GRCh38, chr14:92,017,720, plus strand): 5'-ATCAATCAACAATTTGACTTACCTTAATGATATTTTGTAGTTTACATATTTCACTTTGAT[CAG>C]AGTTATCTGTTCCTTGTGCTTTGGAAGTCTAGATCAGAAAAAGAGAATTAGTAAATAATT-3'

ClinVar aggregate classification (germline): Pathogenic (1 of 4 stars; one submission).

Conditions:
Achondrogenesis, type IA (ACG1A). Identifiers: Orphanet 932, Orphanet 93299, MedGen C0265273, MONDO:0008701, OMIM 200600.

Submission:

Labcorp Genetics (formerly Invitae), Labcorp
Classification: Pathogenic for Achondrogenesis, type IA. Last evaluated: 2017-11-09. Review status: criteria provided, single submitter. Criteria: Invitae Variant Classification Sherloc (09022015). Collection method: clinical testing. Allele origin: germline.
Comment: For these reasons, this variant has been classified as Pathogenic. Loss-of-function variants in TRIP11 are known to be pathogenic (PMID: 20089971, 23956106). This variant has not been reported in the literature in individuals with TRIP11-related disease. This variant is not present in population databases (ExAC no frequency). This sequence change creates a premature translational stop signal (p.Ser206*) in the TRIP11 gene. It is expected to result in an absent or disrupted protein product.

Literature cited by the submitters: PubMed 20089971; PubMed 23956106.